The following is an entry in ClinVar:

NM_001130004.2(ACTN1):c.1932C>T (p.Pro644=)

Gene: ACTN1 (actinin alpha 1; minus strand). Cytogenetic location: 14q24.1.
Variant type: single nucleotide variant.
Coding change: c.1932C>T on transcript NM_001130004.2 (MANE Select); coding-DNA position 1932, C replaced by T.
Protein change: p.Pro644=; no amino-acid change (proline 644 retained).
Molecular consequence: synonymous variant.
Genome position (GRCh38, 1-based): chr14:68,882,479, G>A on the plus strand (C>T on the coding strand, the complement: ACTN1 is on the minus strand). VCF-style: chr14-68882479-G-A. GRCh37 (hg19) VCF-style: chr14-69349196-G-A.
Other names: p.Pro644=; c.1932C>T, p.Pro644= (NM_001102.4, NM_001130005.2).
Identifiers: ClinVar variation 715667 (VCV000715667.12), dbSNP rs181465, ClinGen allele CA7242242.
Genomic context (GRCh38, chr14:68,882,479, plus strand): 5'-GGTGGGAGCCCCAGCACTGCTTCCCAGCATGGGACCCACCTCCATCTTGGTCTGGATCCA[G>A]GGCCCGATGACATTGGCCTGGGCTCCAAACTGCTTGCGTAGCCTCTCATTGTGCTGCTGT-3'
Protein context (NP_001123476.1, residues 634-654): QFGAQANVIG[Pro644=]WIQTKMEEIG

ClinVar aggregate classification (germline): Benign/Likely benign. Review status: criteria provided, multiple submitters, no conflicts (2 of 4 stars). 4 submissions from 4 submitters: Benign (3); Likely benign (1). Last evaluated 2026-02-01.

Allele frequency attached by ClinVar (database versions not stated): gnomAD exomes 0.00085 and 0.00252; ExAC 0.00324; gnomAD 0.00931 and 0.01002; 1000 Genomes Project 0.00978; ESP Exome Variant Server 0.01038; 1000 Genomes Project 30x 0.01077; TOPMed 0.01116.
gnomAD v4.1: 2,707 of 1,614,196 alleles (0.17%); highest among the groups gnomAD compares: African/African-American, 3.1%; 34 homozygotes.

Submissions (4):

Labcorp Genetics (formerly Invitae), Labcorp
Classification: Benign. Last evaluated: 2026-02-01. Review status: criteria provided, single submitter. Criteria: Invitae Variant Classification Sherloc (09022015). Collection method: clinical testing. Allele origin: germline.

Blueprint Genetics
Classification: Likely benign. Last evaluated: 2024-11-21. Review status: criteria provided, single submitter. Criteria: ACMG Guidelines, 2015. Collection method: clinical testing. Allele origin: germline.

Mayo Clinic Laboratories, Mayo Clinic
Classification: Benign. Last evaluated: 2023-10-25. Review status: criteria provided, single submitter. Criteria: ACMG Guidelines, 2015. Collection method: clinical testing. Allele origin: germline. Observed: 8 variant alleles.
Comment: BS1, BS2, BP4, BP7

Breakthrough Genomics
Classification: Benign. Review status: criteria provided, single submitter. Criteria: ACMG Guidelines, 2015. Collection method: not provided. Allele origin: germline. Inheritance: Autosomal dominant inheritance. Affected: yes.